The following is an entry in ClinVar:

ClinVar aggregate classification (germline): Conflicting classifications of pathogenicity. Review status: criteria provided, conflicting classifications (1 of 4 stars). 4 submissions from 4 submitters: Uncertain significance (2); Benign (1); Likely benign (1). Last evaluated 2025-11-03.

Conditions:
TYK2-related disorder. Also called: TYK2-related condition.
Immunodeficiency 35 (IMD35). Also called: HIES WITH ATYPICAL MYCOBACTERIOSIS, AUTOSOMAL RECESSIVE; HYPER-IgE SYNDROME WITH ATYPICAL MYCOBACTERIOSIS, AUTOSOMAL RECESSIVE; TYK2 DEFICIENCY; Susceptibility to infection due to TYK2 deficiency. Identifiers: Orphanet 331226, MedGen C1969086, MONDO:0012682, OMIM 611521.

Allele frequency attached by ClinVar (database versions not stated): gnomAD 0.00002 and 0.00017; TOPMed 0.00004; ESP Exome Variant Server 0.00015; gnomAD exomes 0.00026; 1000 Genomes Project 30x 0.00078; 1000 Genomes Project 0.00080.
gnomAD v4.1: 422 of 1,613,300 alleles (0.026%); highest among the groups gnomAD compares: South Asian, 0.42%; 7 homozygotes.

Submissions (4):

Labcorp Genetics (formerly Invitae), Labcorp
Classification: Benign for Immunodeficiency 35. Last evaluated: 2025-11-03. Review status: criteria provided, single submitter. Criteria: Invitae Variant Classification Sherloc (09022015). Collection method: clinical testing. Allele origin: germline.

PreventionGenetics, part of Exact Sciences
Classification: Uncertain significance for TYK2-related condition. Last evaluated: 2022-12-20. Review status: criteria provided, single submitter. Criteria: ACMG Guidelines, 2015. Collection method: clinical testing. Allele origin: germline.
Comment: The TYK2 c.1534G>A variant is predicted to result in the amino acid substitution p.Gly512Arg. To our knowledge, this variant has not been reported in the literature. This variant is reported in 0.44% of alleles in individuals of South Asian descent in gnomAD, including one homozygous individual. Although we suspect that this variant may be benign, at this time, the clinical significance of this variant is uncertain due to the absence of conclusive functional and genetic evidence.

GeneDx
Classification: Uncertain significance. Last evaluated: 2019-10-28. Review status: criteria provided, single submitter. Criteria: GeneDx Variant Classification Process June 2021. Collection method: clinical testing. Allele origin: germline. Affected: yes.
Comment: In silico analysis, which includes protein predictors and evolutionary conservation, supports a deleterious effect; Has not been previously published as pathogenic or benign to our knowledge

Illumina Laboratory Services, Illumina
Classification: Likely benign for Immunodeficiency 35. Last evaluated: 2018-01-13. Review status: criteria provided, single submitter. Criteria: ICSL Variant Classification Criteria 13 December 2019. Collection method: clinical testing. Allele origin: germline.
Comment: This variant was observed in the ICSL laboratory as part of a predisposition screen in an ostensibly healthy population. It had not been previously curated by ICSL or reported in the Human Gene Mutation Database (HGMD: prior to June 1st, 2018), and was therefore a candidate for classification through an automated scoring system. Utilizing variant allele frequency, disease prevalence and penetrance estimates, and inheritance mode, an automated score was calculated to assess if this variant is too frequent to cause the disease. Based on the score and internal cut-off values, a variant classified as likely benign is not then subjected to further curation. The score for this variant resulted in a classification of likely benign for this disease.

NM_003331.5(TYK2):c.1534G>A (p.Gly512Arg)

Gene: TYK2 (tyrosine kinase 2; minus strand). Cytogenetic location: 19p13.2.
Variant type: single nucleotide variant.
Coding change: c.1534G>A on transcript NM_003331.5 (MANE Select); coding-DNA position 1534, G replaced by A.
Protein change: p.Gly512Arg; replaces glycine 512 with arginine.
Molecular consequence: missense variant.
Genome position (GRCh38, 1-based): chr19:10,362,399, C>T on the plus strand (G>A on the coding strand, the complement: TYK2 is on the minus strand). VCF-style: chr19-10362399-C-T. GRCh37 (hg19) VCF-style: chr19-10473075-C-T.
Other names: c.1534G>A (LRG_121t1); short protein forms G512R.
Identifiers: ClinVar variation 327949 (VCV000327949.15), dbSNP rs146786766, ClinGen allele CA9193388.
Genomic context (GRCh38, chr19:10,362,399, plus strand): 5'-CAGCCCCAAGTTCCCGAACGCTGGGGAAGGACCGGCCCCAGCCCTCCAGCACGAAGGCCC[C>T]GTCCTGCTGCTCAATGGGGAACTTTCGGAGCCGCAAGCTCTGCATGCCGTCTGGTGCCTG-3'
Protein context (NP_003322.3, residues 502-522): LRKFPIEQQD[Gly512Arg]AFVLEGWGRS